The following is an entry in ClinVar:

NM_001672.3(ASIP):c.264C>A (p.Pro88=)

Genes: AHCY (adenosylhomocysteinase; minus strand), ASIP (agouti signaling protein; plus strand). Cytogenetic location: 20q11.22.
Variant type: single nucleotide variant.
Coding change: c.264C>A on transcript NM_001672.3 (MANE Select); coding-DNA position 264, C replaced by A.
Protein change: p.Pro88=; no amino-acid change (proline 88 retained).
Molecular consequence: synonymous variant.
Genome position (GRCh38, 1-based): chr20:34,269,032, C>A. VCF-style: chr20-34269032-C-A. GRCh37 (hg19) VCF-style: chr20-32856838-C-A.
Other names: c.264C>A, p.Pro88= (NM_001385218.1).
Identifiers: ClinVar variation 775119 (VCV000775119.5), dbSNP rs36093428, ClinGen allele CA9820695.
Genomic context (GRCh38, chr20:34,269,032, plus strand): 5'-CCCGGCGTTTCCCACGCAGAAGGAGGCTTCGATGAAGAAAGTGGTGCGGCCCCGGACCCC[C>A]CTATCTGCGCCCTGCGTGGCCACCCGCAACAGCTGCAAGCCGCCGGCACCCGCCTGCTGC-3'
Protein context (NP_001663.2, residues 78-98): SMKKVVRPRT[Pro88=]LSAPCVATRN

ClinVar aggregate classification (germline): Benign. Review status: criteria provided, multiple submitters, no conflicts (2 of 4 stars). 3 submissions from 3 submitters: Benign (2). 1 of the submissions does not count toward it. Last evaluated 2018-06-04.

Conditions:
ASIP-related condition.

Allele frequency attached by ClinVar (database versions not stated): ESP Exome Variant Server 0.00396; TOPMed 0.00542; 1000 Genomes Project 30x 0.00609; 1000 Genomes Project 0.00619.
gnomAD v4.1: 11,613 of 1,607,478 alleles (0.72%); highest among the groups gnomAD compares: Admixed American, 0.96%; 66 homozygotes.

Submissions (3):

Labcorp Genetics (formerly Invitae), Labcorp
Classification: Benign. Last evaluated: 2018-06-04. Review status: criteria provided, single submitter. Criteria: Invitae Variant Classification Sherloc (09022015). Collection method: clinical testing. Allele origin: germline.

Breakthrough Genomics
Classification: Benign. Review status: criteria provided, single submitter. Criteria: ACMG Guidelines, 2015. Collection method: not provided. Allele origin: germline. Inheritance: Unknown mechanism. Affected: yes.

PreventionGenetics, part of Exact Sciences
Classification: Benign for ASIP-related condition. Last evaluated: 2024-07-17. Review status: no assertion criteria provided. Collection method: clinical testing. Allele origin: germline. Not counted in ClinVar's aggregate classification.
Comment: This variant is classified as benign based on ACMG/AMP sequence variant interpretation guidelines (Richards et al. 2015 PMID: 25741868, with internal and published modifications).